The following is an entry in ClinVar:

ClinVar aggregate classification (germline): Benign. Review status: criteria provided, multiple submitters, no conflicts (2 of 4 stars). 4 submissions from 4 submitters: Benign (2). 2 of the submissions do not count toward it. Last evaluated 2018-11-12.

Conditions:
Polycystic liver disease 2 (PCLD2). Also called: Polycystic liver disease 2 with or without kidney cysts. Identifiers: Orphanet 2924, MedGen C4310769, MONDO:0014860, OMIM 617004.

Allele frequency attached by ClinVar (database versions not stated): gnomAD 0.94610 and 0.94736; TOPMed 0.94190; 1000 Genomes Project 30x 0.92224; 1000 Genomes Project 0.92572; gnomAD exomes 0.98004.
gnomAD v4.1: 1,566,276 of 1,603,382 alleles (98%); highest among the groups gnomAD compares: Middle Eastern, 99%; 765,958 homozygotes.

Submissions (4):

GeneDx
Classification: Benign. Last evaluated: 2018-11-12. Review status: criteria provided, single submitter. Criteria: GeneDx Variant Classification Process June 2021. Collection method: clinical testing. Allele origin: germline. Affected: yes.

Illumina Laboratory Services, Illumina
Classification: Benign for Polycystic liver disease 2. Last evaluated: 2018-01-13. Review status: criteria provided, single submitter. Criteria: ICSL Variant Classification Criteria 13 December 2019. Collection method: clinical testing. Allele origin: germline.
Comment: This variant was observed in the ICSL laboratory as part of a predisposition screen in an ostensibly healthy population. It had not been previously curated by ICSL or reported in the Human Gene Mutation Database (HGMD: prior to June 1st, 2018), and was therefore a candidate for classification through an automated scoring system. Utilizing variant allele frequency, disease prevalence and penetrance estimates, and inheritance mode, an automated score was calculated to assess if this variant is too frequent to cause the disease. Based on the score and internal cut-off values, a variant classified as benign is not then subjected to further curation. The score for this variant resulted in a classification of benign for this disease.

Clinical Genetics DNA and cytogenetics Diagnostics Lab, Erasmus MC, Erasmus Medical Center
Classification: Benign. Review status: no assertion criteria provided. Collection method: clinical testing. Allele origin: germline. Affected: yes. Study: VKGL Data-share Consensus. Not counted in ClinVar's aggregate classification.

Joint Genome Diagnostic Labs from Nijmegen and Maastricht, Radboudumc and MUMC+
Classification: Benign. Review status: no assertion criteria provided. Collection method: clinical testing. Allele origin: germline. Affected: yes. Study: VKGL Data-share Consensus. Not counted in ClinVar's aggregate classification.

NM_007214.5(SEC63):c.-77C>T

Gene: SEC63 (SEC63 homolog, protein translocation regulator; minus strand). Cytogenetic location: 6q21.
Variant type: single nucleotide variant.
Coding change: c.-77C>T on transcript NM_007214.5 (MANE Select); 77 bases upstream of the start codon, C replaced by T.
Molecular consequence: 5 prime UTR variant.
Genome position (GRCh38, 1-based): chr6:107,958,086, G>A on the plus strand (C>T on the coding strand, the complement: SEC63 is on the minus strand). VCF-style: chr6-107958086-G-A. GRCh37 (hg19) VCF-style: chr6-108279290-G-A.
Identifiers: ClinVar variation 354921 (VCV000354921.9), dbSNP rs2272884, ClinGen allele CA10625642.
Genomic context (GRCh38, chr6:107,958,086, plus strand): 5'-CCTCGCTCTTCTCACCGCCGCCGCCACGACCACGCTCTGCACTCCCGCTCCCAACGCCCC[G>A]GCCCGAGTGGCGTAGCTTGGACACTGCCGCCGCCGCCTCTCCTCCCCGCCCCCACGCCAC-3'